The following is an entry in ClinVar:

NM_001205293.3(CACNA1E):c.6221A>C (p.Asp2074Ala)

Gene: CACNA1E (calcium voltage-gated channel subunit alpha1 E; plus strand). Cytogenetic location: 1q25.3.
Variant type: single nucleotide variant.
Coding change: c.6221A>C on transcript NM_001205293.3 (MANE Select); coding-DNA position 6221, A replaced by C.
Protein change: p.Asp2074Ala; replaces aspartic acid 2074 with alanine.
Molecular consequence: missense variant.
Genome position (GRCh38, 1-based): chr1:181,796,680, A>C. VCF-style: chr1-181796680-A-C. GRCh37 (hg19) VCF-style: chr1-181765816-A-C.
Other names: c.6092A>C, p.Asp2031Ala (NM_000721.4); c.6035A>C, p.Asp2012Ala (NM_001205294.2); short protein forms D2012A, D2031A, D2074A.
Identifiers: ClinVar variation 2785435 (VCV002785435.3), dbSNP rs1358446270, ClinGen allele CA343633165.

ClinVar aggregate classification (germline): Uncertain significance (1 of 4 stars; one submission).

Submission:

Labcorp Genetics (formerly Invitae), Labcorp
Classification: Uncertain significance. Last evaluated: 2023-05-22. Review status: criteria provided, single submitter. Criteria: Invitae Variant Classification Sherloc (09022015). Collection method: clinical testing. Allele origin: germline.
Comment: In summary, the available evidence is currently insufficient to determine the role of this variant in disease. Therefore, it has been classified as a Variant of Uncertain Significance. Advanced modeling of protein sequence and biophysical properties (such as structural, functional, and spatial information, amino acid conservation, physicochemical variation, residue mobility, and thermodynamic stability) performed at Invitae indicates that this missense variant is not expected to disrupt CACNA1E protein function. This variant has not been reported in the literature in individuals affected with CACNA1E-related conditions. This variant is present in population databases (no rsID available, gnomAD 0.01%). This sequence change replaces aspartic acid, which is acidic and polar, with alanine, which is neutral and non-polar, at codon 2031 of the CACNA1E protein (p.Asp2031Ala).